The following is an entry in ClinVar:

ClinVar aggregate classification (germline): Uncertain significance (1 of 4 stars; one submission).

Conditions:
Baller-Gerold syndrome (BGS). Also called: CRANIOSYNOSTOSIS WITH RADIAL DEFECTS. Identifiers: Orphanet 1225, MedGen C0265308, MONDO:0009039, OMIM 218600.

Allele frequency attached by ClinVar (database versions not stated): TOPMed below 0.00001.
gnomAD v4.1: 2 of 1,577,266 alleles (0.00013%); highest among the groups gnomAD compares: Non-Finnish European, 0.000086%; no homozygotes.

Submission:

Labcorp Genetics (formerly Invitae), Labcorp
Classification: Uncertain significance for Baller-Gerold syndrome. Last evaluated: 2024-08-01. Review status: criteria provided, single submitter. Criteria: Invitae Variant Classification Sherloc (09022015). Collection method: clinical testing. Allele origin: germline.
Comment: This sequence change replaces threonine, which is neutral and polar, with isoleucine, which is neutral and non-polar, at codon 854 of the RECQL4 protein (p.Thr854Ile). This variant is not present in population databases (gnomAD no frequency). This variant has not been reported in the literature in individuals affected with RECQL4-related conditions. ClinVar contains an entry for this variant (Variation ID: 528971). Advanced modeling of protein sequence and biophysical properties (such as structural, functional, and spatial information, amino acid conservation, physicochemical variation, residue mobility, and thermodynamic stability) performed at Invitae indicates that this missense variant is not expected to disrupt RECQL4 protein function with a negative predictive value of 80%. In summary, the available evidence is currently insufficient to determine the role of this variant in disease. Therefore, it has been classified as a Variant of Uncertain Significance.

NM_004260.4(RECQL4):c.2561C>T (p.Thr854Ile)

Gene: RECQL4 (RecQ like helicase 4; minus strand). Cytogenetic location: 8q24.3.
Variant type: single nucleotide variant.
Coding change: c.2561C>T on transcript NM_004260.4 (MANE Select); coding-DNA position 2561, C replaced by T.
Protein change: p.Thr854Ile; replaces threonine 854 with isoleucine.
Molecular consequence: missense variant.
Genome position (GRCh38, 1-based): chr8:144,513,041, G>A on the plus strand (C>T on the coding strand, the complement: RECQL4 is on the minus strand). VCF-style: chr8-144513041-G-A. GRCh37 (hg19) VCF-style: chr8-145738424-G-A.
Other names: short protein forms T854I.
Identifiers: ClinVar variation 528971 (VCV000528971.4), dbSNP rs1167531855, ClinGen allele CA372677052.